The following is an entry in ClinVar:

NM_198576.4(AGRN):c.2000-3C>T

Gene: AGRN (agrin; plus strand). Cytogenetic location: 1p36.33.
Variant type: single nucleotide variant.
Coding change: c.2000-3C>T on transcript NM_198576.4 (MANE Select); 3 bases into the intron before coding-DNA position 2000, C replaced by T.
Molecular consequence: intron variant.
Genome position (GRCh38, 1-based): chr1:1,044,106, C>T. VCF-style: chr1-1044106-C-T. GRCh37 (hg19) VCF-style: chr1-979486-C-T.
Other names: c.2000-3C>T (NM_001305275.2); c.1685-3C>T (NM_001364727.2).
Identifiers: ClinVar variation 2128578 (VCV002128578.4), dbSNP rs1482064528, ClinGen allele CA2580061058.

ClinVar aggregate classification (germline): Uncertain significance (1 of 4 stars; one submission).

Conditions:
Congenital myasthenic syndrome 8. Also called: MYASTHENIC SYNDROME, CONGENITAL, DUE TO AGRIN DEFICIENCY; Myasthenic syndrome, congenital, 8, with pre- and postsynaptic defects. Identifiers: Orphanet 590, MedGen C3808739, MONDO:0014052, OMIM 615120.

gnomAD v4.1: 2 of 1,613,280 alleles (0.00012%); no homozygotes.

Submission:

Labcorp Genetics (formerly Invitae), Labcorp
Classification: Uncertain significance for Congenital myasthenic syndrome 8. Last evaluated: 2022-08-05. Review status: criteria provided, single submitter. Criteria: Invitae Variant Classification Sherloc (09022015). Collection method: clinical testing. Allele origin: germline.
Comment: In summary, the available evidence is currently insufficient to determine the role of this variant in disease. Therefore, it has been classified as a Variant of Uncertain Significance. Variants that disrupt the consensus splice site are a relatively common cause of aberrant splicing (PMID: 17576681, 9536098). Algorithms developed to predict the effect of sequence changes on RNA splicing suggest that this variant is not likely to affect RNA splicing. This variant has not been reported in the literature in individuals affected with AGRN-related conditions. This variant is not present in population databases (gnomAD no frequency). This sequence change falls in intron 10 of the AGRN gene. It does not directly change the encoded amino acid sequence of the AGRN protein. It affects a nucleotide within the consensus splice site.

Literature cited by the submitters: PubMed 17576681; PubMed 9536098.